The following is an entry in ClinVar:

ClinVar aggregate classification (germline): Pathogenic/Likely pathogenic. Review status: criteria provided, multiple submitters, no conflicts (2 of 4 stars). 9 submissions from 9 submitters: Pathogenic (6); Likely pathogenic (1). 2 of the submissions do not count toward it. Last evaluated 2025-11-03.

Conditions:
ABCA4-related disorder. Also called: ABCA4-related condition; ABCA4-related disorders. Identifiers: MedGen CN239167.
Cone-rod dystrophy 3 (CORD3). Identifiers: Orphanet 1872, MedGen C1858806, MONDO:0011395, OMIM 604116.
Age related macular degeneration 2. Also called: MACULOPATHY, AGE-RELATED; MACULAR DEGENERATION, SENILE; MACULOPATHY, AGE-RELATED, 2. Identifiers: MedGen C3495438, MONDO:0007932, OMIM 153800.
Severe early-childhood-onset retinal dystrophy (STGD1). Also called: Stargardt macular dystrophy; Juvenile onset macular degeneration; Stargardt disease 1; STGD; MACULAR DYSTROPHY WITH FLECKS, TYPE 1. Identifiers: Orphanet 364055, Orphanet 827, MedGen C1855465, MeSH D000080362, MONDO:0009549, OMIM 248200.
Retinitis pigmentosa 19 (RP19). Also called: ABCA4-Related Retinitis Pigmentosa. Identifiers: Orphanet 791, MedGen C1866422, MONDO:0011137, OMIM 601718.
Stargardt disease (FFM). Also called: Stargardt's disease; Fundus flavimaculatus. Identifiers: Orphanet 827, MedGen C0271093, MONDO:0019353.
Retinal dystrophy. Also called: Inherited retinal dystrophy. Identifiers: Orphanet 71862, MedGen C0854723, MeSH D058499, MONDO:0019118, HP:0000556.
Retinitis pigmentosa (RP). Identifiers: Orphanet 791, MedGen C0035334, MeSH D012174, MONDO:0019200, OMIM 268000. Inheritance: Autosomal dominant, autosomal recessive and X linked inheritance.

Allele frequency attached by ClinVar (database versions not stated): gnomAD exomes 0.00001.
gnomAD v4.1: 12 of 1,613,796 alleles (0.00074%); highest among the groups gnomAD compares: South Asian, 0.0066%; no homozygotes.

Submissions (9):

PreventionGenetics, part of Exact Sciences
Classification: Pathogenic for ABCA4-related condition. Last evaluated: 2025-11-03. Review status: criteria provided, single submitter. Criteria: ACMG Guidelines, 2015. Collection method: clinical testing. Allele origin: germline.
Comment: The ABCA4 c.4253+5G>A variant is predicted to interfere with splicing. This variant has been reported, along with other ABCA4 variants, in individuals with Stargardt disease or ABCA4-related retinal disease (see for example: Rivera et al. 2000. PubMed ID: 10958763; Table S2, Carss et al. 2016. PubMed ID: 28041643; Supplementary table, Rodríguez-Muñoz et al. 2020. PubMed ID: 32036094). This variant has been shown to result in aberrent splicing and and the introduction of a premature stop codon (Sangermano et al. 2018. PubMed ID: 29162642). This variant is reported in 0.0033% of alleles in individuals of South Asian descent in gnomAD. This variant is interpreted as pathogenic.

Labcorp Genetics (formerly Invitae), Labcorp
Classification: Pathogenic. Last evaluated: 2025-04-10. Review status: criteria provided, single submitter. Criteria: Invitae Variant Classification Sherloc (09022015). Collection method: clinical testing. Allele origin: germline.
Comment: This sequence change falls in intron 28 of the ABCA4 gene. It does not directly change the encoded amino acid sequence of the ABCA4 protein. It affects a nucleotide within the consensus splice site. This variant is present in population databases (no rsID available, gnomAD 0.003%). This variant has been observed in individual(s) with ABCA4-related conditions (PMID: 10958763, 11385708, 22328824, 23755871, 28041643, 28118664, 35119454). In at least one individual the data is consistent with being in trans (on the opposite chromosome) from a pathogenic variant. This variant is also known as IVS28+5G>A. ClinVar contains an entry for this variant (Variation ID: 236110). Studies have shown that this variant does not significantly alter or has an unclear effect on ABCA4 gene expression (PMID: 10958763, 29162642). Variants that disrupt the consensus splice site are a relatively common cause of aberrant splicing (PMID: 17576681, 9536098). Algorithms developed to predict the effect of sequence changes on RNA splicing suggest that this variant may disrupt the consensus splice site. For these reasons, this variant has been classified as Pathogenic.

Blueprint Genetics
Classification: Pathogenic for ABCA4-related disorders. Last evaluated: 2024-08-16. Review status: criteria provided, single submitter. Criteria: ACMG Guidelines, 2015. Collection method: clinical testing. Allele origin: germline. Affected: yes. Observed: 5 variant alleles.

Fulgent Genetics
Classification: Pathogenic for Age related macular degeneration 2; Severe early-childhood-onset retinal dystrophy; Retinitis pigmentosa 19; Cone-rod dystrophy 3. Last evaluated: 2024-03-22. Review status: criteria provided, single submitter. Criteria: ACMG Guidelines, 2015. Collection method: clinical testing. Allele origin: germline.

Women's Health and Genetics/Laboratory Corporation of America, LabCorp
Classification: Pathogenic for Retinitis pigmentosa. Last evaluated: 2024-03-18. Review status: criteria provided, single submitter. Criteria: LabCorp Variant Classification Summary - May 2015. Collection method: clinical testing. Allele origin: germline.
Comment: Variant summary: ABCA4 c.4253+5G>A alters a conserved nucleotide located close to a canonical splice site and therefore could affect mRNA splicing, leading to a significantly altered protein sequence. At least one publication reports experimental evidence that this variant affects mRNA splicing (Sangermano_2018). The variant allele was found at a frequency of 1.2e-05 in 251260 control chromosomes. c.4253+5G>A has been reported in the literature in individuals affected with Retinitis Pigmentosa and AR Stargardt disease (example, Paloma_2001, Riveiro-Alvarez_2013). These data indicate that the variant is likely to be associated with disease. The following publications have been ascertained in the context of this evaluation (PMID: 11385708, 23755871, 29162642). ClinVar contains an entry for this variant (Variation ID: 236110). Based on the evidence outlined above, the variant was classified as pathogenic.

Institute of Human Genetics, University of Leipzig Medical Center
Classification: Pathogenic for Severe early-childhood-onset retinal dystrophy. Last evaluated: 2022-04-14. Review status: criteria provided, single submitter. Criteria: ACMG Guidelines, 2015. Collection method: clinical testing. Allele origin: unknown. Affected: yes.
Comment: This variant was identified as compound heterozygous with NM_000350.3:c.5714+5G>A Criteria applied: PS3, PM3_STR, PM2_SUP

Institute of Human Genetics, Univ. Regensburg, Univ. Regensburg
Classification: Likely pathogenic for Retinal dystrophy. Last evaluated: 2015-01-01. Review status: criteria provided, single submitter. Criteria: ACMG Guidelines, 2015. Collection method: clinical testing. Allele origin: germline. Affected: yes.

Rui Chen Lab, Baylor College of Medicine
Classification: Pathogenic for Stargardt disease. Last evaluated: 2017-05-09. Review status: no assertion criteria provided. Collection method: research. Allele origin: germline. Affected: yes. Not counted in ClinVar's aggregate classification.
Comment: An in vitrominigene system was used to confirm that the variant disrupts splicing

NIHR Bioresource Rare Diseases, University of Cambridge
Classification: Likely pathogenic for Retinal dystrophy. Last evaluated: 2015-01-01. Review status: no assertion criteria provided. Collection method: research. Allele origin: unknown. Affected: yes. Observed: 1 variant allele. Not counted in ClinVar's aggregate classification.

Literature cited by the submitters: PubMed 10958763 (cited by 3 submitters); PubMed 11385708 (cited by Labcorp Genetics (formerly Invitae), Labcorp and Women's Health and Genetics/Laboratory Corporation of America, LabCorp); PubMed 22328824 (cited by Labcorp Genetics (formerly Invitae), Labcorp); PubMed 23755871 (cited by Labcorp Genetics (formerly Invitae), Labcorp and Women's Health and Genetics/Laboratory Corporation of America, LabCorp); PubMed 28041643 (cited by 3 submitters); PubMed 28118664 (cited by Labcorp Genetics (formerly Invitae), Labcorp and Institute of Human Genetics, Univ. Regensburg, Univ. Regensburg); PubMed 35119454 (cited by Labcorp Genetics (formerly Invitae), Labcorp and Institute of Human Genetics, Univ. Regensburg, Univ. Regensburg); PubMed 29162642 (cited by 3 submitters); PubMed 17576681 (cited by Labcorp Genetics (formerly Invitae), Labcorp); PubMed 9536098 (cited by Labcorp Genetics (formerly Invitae), Labcorp); PubMed 25525159 (cited by Institute of Human Genetics, Univ. Regensburg, Univ. Regensburg); PubMed 31589614 (cited by Institute of Human Genetics, Univ. Regensburg, Univ. Regensburg); PubMed 32619608 (cited by Institute of Human Genetics, Univ. Regensburg, Univ. Regensburg); PubMed 31964843 (cited by Institute of Human Genetics, Univ. Regensburg, Univ. Regensburg); PubMed 32307445 (cited by Institute of Human Genetics, Univ. Regensburg, Univ. Regensburg); PubMed 32036094 (cited by Institute of Human Genetics, Univ. Regensburg, Univ. Regensburg); PubMed 32581362 (cited by Institute of Human Genetics, Univ. Regensburg, Univ. Regensburg); PubMed 33301772 (cited by Institute of Human Genetics, Univ. Regensburg, Univ. Regensburg).

NM_000350.3(ABCA4):c.4253+5G>A

Gene: ABCA4 (ATP binding cassette subfamily A member 4; minus strand). Cytogenetic location: 1p22.1.
Variant type: single nucleotide variant.
Coding change: c.4253+5G>A on transcript NM_000350.3 (MANE Select); 5 bases into the intron after coding-DNA position 4253, G replaced by A.
Molecular consequence: intron variant.
Genome position (GRCh38, 1-based): chr1:94,030,991, C>T on the plus strand (G>A on the coding strand, the complement: ABCA4 is on the minus strand). VCF-style: chr1-94030991-C-T. GRCh37 (hg19) VCF-style: chr1-94496547-C-T.
Identifiers: ClinVar variation 236110 (VCV000236110.18), dbSNP rs61750138, ClinGen allele CA10602432.